The following is an entry in ClinVar:

NM_001267550.2(TTN):c.35375C>T (p.Pro11792Leu)

Gene: TTN (titin; minus strand). Cytogenetic location: 2q31.2.
Variant type: single nucleotide variant.
Coding change: c.35375C>T on transcript NM_001267550.2 (MANE Select); coding-DNA position 35375, C replaced by T.
Protein change: p.Pro11792Leu; replaces proline 11792 with leucine.
Molecular consequence: missense variant. On other transcripts: intron variant (3).
Genome position (GRCh38, 1-based): chr2:178,670,229, G>A on the plus strand (C>T on the coding strand, the complement: TTN is on the minus strand). VCF-style: chr2-178670229-G-A. GRCh37 (hg19) VCF-style: chr2-179534956-G-A.
Other names: c.34253C>T, p.Pro11418Leu (NM_001256850.1); c.31472C>T, p.Pro10491Leu (NM_133378.4); c.13283-27912C>T (NM_003319.4); c.13859-27912C>T (NM_133437.4); c.13658-27912C>T (NM_133432.3); short protein forms P10491L, P11418L, P11792L.
Identifiers: ClinVar variation 2636378 (VCV002636378.1), dbSNP rs1006380204, ClinGen allele CA60978165.

ClinVar aggregate classification (germline): Uncertain significance (1 of 4 stars; one submission).

Conditions:
TTN-related disorder. Also called: TTN-related condition; TTN-related disease; TTN-related disorders.

Allele frequency attached by ClinVar (database versions not stated): gnomAD exomes below 0.00001.
gnomAD v4.1: 3 of 1,473,710 alleles (0.0002%); highest among the groups gnomAD compares: East Asian, 0.0051%; no homozygotes.

Submission:

PreventionGenetics, part of Exact Sciences
Classification: Uncertain significance for TTN-related condition. Last evaluated: 2022-08-26. Review status: criteria provided, single submitter. Criteria: ACMG Guidelines, 2015. Collection method: clinical testing. Allele origin: germline.
Comment: The TTN c.35375C>T variant is predicted to result in the amino acid substitution p.Pro11792Leu. To our knowledge, this variant has not been reported in the literature or in a large population database, indicating this variant is rare. At this time, the clinical significance of this variant is uncertain due to the absence of conclusive functional and genetic evidence.